The following is an entry in ClinVar:

ClinVar aggregate classification (germline): Pathogenic. Review status: criteria provided, multiple submitters, no conflicts (2 of 4 stars). 2 submissions from 2 submitters: Pathogenic (2). Last evaluated 2024-05-14.

Conditions:
Hereditary factor XI deficiency disease. Also called: Congenital factor XI deficiency; PLASMA THROMBOPLASTIN ANTECEDENT DEFICIENCY; PTA DEFICIENCY; ROSENTHAL SYNDROME. Identifiers: Orphanet 329, MedGen C0015523, MeSH D005173, MONDO:0012897, OMIM 612416.

Submissions (2):

Myriad Genetics, Inc.
Classification: Pathogenic for Hereditary factor XI deficiency disease. Last evaluated: 2024-05-14. Review status: criteria provided, single submitter. Criteria: Myriad Autosomal Dominant, Autosomal Recessive and X-Linked Classification Criteria (2023). Collection method: clinical testing. Allele origin: unknown.
Comment: NM_000128.3(F11):c.1448delT(L483Cfs*2) is expected to be pathogenic in the context of factor XI deficiency. This variant is predicted to lead to an abnormal or absent protein product due to the creation of a premature termination codon in F11, a gene where loss-of-function variants are known to be pathogenic. Please note: this variant was assessed in the context of healthy population screening.

Juno Genomics, Hangzhou Juno Genomics, Inc
Classification: Pathogenic for Hereditary factor XI deficiency disease. Review status: criteria provided, single submitter. Criteria: ACMG Guidelines, 2015. Collection method: clinical testing. Allele origin: germline.
Comment: Absent from controls (or at extremely low frequency if recessive) in Genome Aggregation Database.;Null variant in a gene where loss of function (LOF) is a known mechanism of disease.;Co-segregation with disease in multiple affected family members.

NM_000128.4(F11):c.1448del (p.Leu483fs)

Gene: F11 (coagulation factor XI; plus strand). Cytogenetic location: 4q35.2.
Variant type: Deletion.
Coding change: c.1448del on transcript NM_000128.4 (MANE Select); coding-DNA position 1448, one base deleted (T; older notation c.1448delT).
Protein change: p.Leu483fs; shifts the reading frame from leucine 483.
Molecular consequence: frameshift variant.
Genome position (GRCh38, 1-based): chr4:186,285,781, T deleted; the last of 2 consecutive T bases (chr4:186,285,780-186,285,781); deleting either gives the same sequence. VCF-style (leftmost placement, unchanged base first): chr4-186285779-CT-C. GRCh37 (hg19) VCF-style: chr4-187206933-CT-C.
Other names: c.1400del, p.Leu467fs (NM_001440590.1, NM_001440596.1); c.1448del, p.Leu483fs (NM_001440593.1); c.1178del, p.Leu393fs (NM_001440605.1, NM_001440607.1); c.1130del, p.Leu377fs (NM_001440606.1, NM_001440608.1); short protein forms L377fs, L393fs, L467fs, L483fs.
Identifiers: ClinVar variation 5006761 (VCV005006761.3).